The following is an entry in ClinVar:

NM_006073.4(TRDN):c.484+1458G>A

Gene: TRDN (triadin; minus strand). Cytogenetic location: 6q22.31.
Variant type: single nucleotide variant.
Coding change: c.484+1458G>A on transcript NM_006073.4 (MANE Select); 1458 bases into the intron after coding-DNA position 484, G replaced by A.
Molecular consequence: intron variant. On other transcripts: 3 prime UTR variant (1).
Genome position (GRCh38, 1-based): chr6:123,529,048, C>T on the plus strand (G>A on the coding strand, the complement: TRDN is on the minus strand). VCF-style: chr6-123529048-C-T. GRCh37 (hg19) VCF-style: chr6-123850193-C-T.
Other names: c.*226G>A (NM_001256022.2); c.484+1458G>A (NM_001251987.2, NM_001256020.2, NM_001256021.2).
Identifiers: ClinVar variation 679106 (VCV000679106.1), dbSNP rs75848919, ClinGen allele CA147293145.

ClinVar aggregate classification (germline): Benign (1 of 4 stars; one submission).

Allele frequency attached by ClinVar (database versions not stated): gnomAD exomes 0.00180; gnomAD 0.01629 and 0.01754; 1000 Genomes Project 30x 0.01686; 1000 Genomes Project 0.01697; TOPMed 0.01857.
gnomAD v4.1: 4,836 of 1,411,210 alleles (0.34%); highest among the groups gnomAD compares: African/African-American, 5.6%; 117 homozygotes.

Submission:

GeneDx
Classification: Benign. Last evaluated: 2018-06-14. Review status: criteria provided, single submitter. Criteria: GeneDx Variant Classification (06012015). Collection method: clinical testing. Allele origin: germline. Affected: yes.
Comment: This variant is considered likely benign or benign based on one or more of the following criteria: it is a conservative change, it occurs at a poorly conserved position in the protein, it is predicted to be benign by multiple in silico algorithms, and/or has population frequency not consistent with disease.